The following is an entry in ClinVar:

NM_001252024.2(TRPM1):c.1717C>T (p.Arg573Trp)

Gene: TRPM1 (transient receptor potential cation channel subfamily M member 1; minus strand). Cytogenetic location: 15q13.3.
Variant type: single nucleotide variant.
Coding change: c.1717C>T on transcript NM_001252024.2 (MANE Select); coding-DNA position 1717, C replaced by T.
Protein change: p.Arg573Trp; replaces arginine 573 with tryptophan.
Molecular consequence: missense variant.
Genome position (GRCh38, 1-based): chr15:31,047,158, G>A on the plus strand (C>T on the coding strand, the complement: TRPM1 is on the minus strand). VCF-style: chr15-31047158-G-A. GRCh37 (hg19) VCF-style: chr15-31339361-G-A.
Other names: c.1768C>T, p.Arg590Trp (NM_001252020.2); c.1651C>T, p.Arg551Trp (NM_002420.6); c.1651C>T (NM_002420.4); short protein forms R551W, R590W, R573W.
Identifiers: ClinVar variation 1045967 (VCV001045967.9), dbSNP rs1288598838, ClinGen allele CA391515087.

ClinVar aggregate classification (germline): Uncertain significance. Review status: criteria provided, multiple submitters, no conflicts (2 of 4 stars). 2 submissions from 2 submitters: Uncertain significance (2). Last evaluated 2023-11-27.

Conditions:
Inborn genetic diseases. Identifiers: MedGen C0950123, MeSH D030342.

Allele frequency attached by ClinVar (database versions not stated): gnomAD below 0.00001 and 0.00001; gnomAD exomes 0.00001.
gnomAD v4.1: 4 of 1,614,072 alleles (0.00025%); highest among the groups gnomAD compares: South Asian, 0.0044%; no homozygotes.

Submissions (2):

Labcorp Genetics (formerly Invitae), Labcorp
Classification: Uncertain significance. Last evaluated: 2023-11-27. Review status: criteria provided, single submitter. Criteria: Invitae Variant Classification Sherloc (09022015). Collection method: clinical testing. Allele origin: germline.
Comment: This sequence change replaces arginine, which is basic and polar, with tryptophan, which is neutral and slightly polar, at codon 551 of the TRPM1 protein (p.Arg551Trp). This variant is present in population databases (no rsID available, gnomAD 0.006%). This variant has not been reported in the literature in individuals affected with TRPM1-related conditions. ClinVar contains an entry for this variant (Variation ID: 1045967). Advanced modeling of protein sequence and biophysical properties (such as structural, functional, and spatial information, amino acid conservation, physicochemical variation, residue mobility, and thermodynamic stability) has been performed at Invitae for this missense variant, however the output from this modeling did not meet the statistical confidence thresholds required to predict the impact of this variant on TRPM1 protein function. In summary, the available evidence is currently insufficient to determine the role of this variant in disease. Therefore, it has been classified as a Variant of Uncertain Significance.

Ambry Genetics
Classification: Uncertain significance for Inborn genetic diseases. Last evaluated: 2022-01-04. Review status: criteria provided, single submitter. Criteria: Ambry Variant Classification Scheme 2023. Collection method: clinical testing. Allele origin: germline.